The following is an entry in ClinVar:

ClinVar aggregate classification (germline): Pathogenic (1 of 4 stars; one submission).

Conditions:
LAMA2-related muscular dystrophy (LAMA2-RD). Also called: Laminin alpha 2-related dystrophy. Identifiers: MedGen C5679788, MONDO:0100228.

Submission:

Labcorp Genetics (formerly Invitae), Labcorp
Classification: Pathogenic for LAMA2-related muscular dystrophy. Last evaluated: 2022-02-19. Review status: criteria provided, single submitter. Criteria: Invitae Variant Classification Sherloc (09022015). Collection method: clinical testing. Allele origin: germline.
Comment: For these reasons, this variant has been classified as Pathogenic. This variant has not been reported in the literature in individuals affected with LAMA2-related conditions. This variant is a gross deletion of the genomic region encompassing exon(s) 33-39 of the LAMA2 gene. This deletion is out-of-frame, and is expected to create a premature termination codon and result in an absent or disrupted protein product. Loss-of-function variants in LAMA2 are known to be pathogenic (PMID: 18700894, 32904964).

Literature cited by the submitters: PubMed 18700894; PubMed 32904964.

NC_000006.11:g.(?_129687354)_(129723642_?)del

Gene: LAMA2 (laminin subunit alpha 2; plus strand). Cytogenetic location: 6q22.33.
Variant type: Deletion.
Identifiers: ClinVar variation 2423061 (VCV002423061.5).